The following is an entry in ClinVar:

ClinVar aggregate classification (germline): Uncertain significance. Review status: criteria provided, multiple submitters, no conflicts (2 of 4 stars). 2 submissions from 2 submitters: Uncertain significance (2). Last evaluated 2026-07-06.

Conditions:
Hereditary cancer-predisposing syndrome. Also called: Hereditary Cancer Syndrome; Neoplastic Syndromes, Hereditary; Hereditary neoplastic syndrome; Tumor predisposition. Identifiers: Orphanet 140162, MedGen C0027672, MeSH D009386, MONDO:0015356.
Oligodontia-cancer predisposition syndrome. Also called: TOOTH AGENESIS-COLORECTAL CANCER SYNDROME. Identifiers: Orphanet 300576, MedGen C1837750, MONDO:0012075, OMIM 608615. Disease mechanism: loss of function.

Submissions (2):

Ambry Genetics
Classification: Uncertain significance for Hereditary cancer-predisposing syndrome. Last evaluated: 2026-07-06. Review status: criteria provided, single submitter. Criteria: Ambry Variant Classification Scheme 2023. Collection method: clinical testing. Allele origin: germline.
Comment: The p.K584E variant (also known as c.1750A>G), located in coding exon 6 of the AXIN2 gene, results from an A to G substitution at nucleotide position 1750. The lysine at codon 584 is replaced by glutamic acid, an amino acid with similar properties. This amino acid position is conserved. In addition, this alteration is predicted to be tolerated by in silico analysis. Based on the available evidence, the clinical significance of this variant remains unclear.

Labcorp Genetics (formerly Invitae), Labcorp
Classification: Uncertain significance for Oligodontia-cancer predisposition syndrome. Last evaluated: 2021-01-25. Review status: criteria provided, single submitter. Criteria: Invitae Variant Classification Sherloc (09022015). Collection method: clinical testing. Allele origin: germline.
Comment: This variant is not present in population databases (ExAC no frequency). This sequence change replaces lysine with glutamic acid at codon 584 of the AXIN2 protein (p.Lys584Glu). The lysine residue is moderately conserved and there is a small physicochemical difference between lysine and glutamic acid. This variant has not been reported in the literature in individuals with AXIN2-related conditions. Algorithms developed to predict the effect of missense changes on protein structure and function (SIFT, PolyPhen-2, Align-GVGD) all suggest that this variant is likely to be tolerated, but these predictions have not been confirmed by published functional studies and their clinical significance is uncertain. In summary, the available evidence is currently insufficient to determine the role of this variant in disease. Therefore, it has been classified as a Variant of Uncertain Significance.

NM_004655.4(AXIN2):c.1750A>G (p.Lys584Glu)

Gene: AXIN2 (axin 2; minus strand). Cytogenetic location: 17q24.1.
Variant type: single nucleotide variant.
Coding change: c.1750A>G on transcript NM_004655.4 (MANE Select); coding-DNA position 1750, A replaced by G.
Protein change: p.Lys584Glu; replaces lysine 584 with glutamic acid.
Molecular consequence: missense variant. On other transcripts: intron variant (1).
Genome position (GRCh38, 1-based): chr17:65,537,026, T>C on the plus strand (A>G on the coding strand, the complement: AXIN2 is on the minus strand). VCF-style: chr17-65537026-T-C. GRCh37 (hg19) VCF-style: chr17-63533144-T-C.
Other names: c.1750A>G (NM_004655.3); c.1712+298A>G (NM_001363813.1); short protein forms K584E.
Identifiers: ClinVar variation 1405068 (VCV001405068.9), dbSNP rs2144451403, ClinGen allele CA400676695.
Genomic context (GRCh38, chr17:65,537,026, plus strand): 5'-CAGCTCCGCCGGGGGCCCCTCCTTCCCTGGCGGGCAGGGCCAGGCCCGGCTCCGTGCCTT[T>C]CCCATTGCGTTTGGGCAAGGTACTGCCTCTGCTGCCGCTGTGGGGAACCAAGAACCACAC-3'
Protein context (NP_004646.3, residues 574-594): RGSTLPKRNG[Lys584Glu]GTEPGLALPA